The following is an entry in ClinVar:

ClinVar aggregate classification (germline): Conflicting classifications of pathogenicity. Review status: criteria provided, conflicting classifications (1 of 4 stars). 2 submissions from 2 submitters: Uncertain significance (1); Likely benign (1). Last evaluated 2024-09-17.

Conditions:
Cardiovascular phenotype. Identifiers: MedGen CN230736.
Hypertrophic cardiomyopathy 26. Also called: Cardiomyopathy, familial hypertrophic, 26. Identifiers: Orphanet 75249, MedGen C4310749, MONDO:0014883, OMIM 617047.
Myofibrillar myopathy 5. Also called: Filaminopathy (type); FILAMINOPATHY, AUTOSOMAL DOMINANT. Identifiers: Orphanet 171445, MedGen C1836050, MONDO:0012289, OMIM 609524.
Distal myopathy with posterior leg and anterior hand involvement. Also called: WILLIAMS DISTAL MYOPATHY. Identifiers: Orphanet 63273, MedGen C3279722, MONDO:0013550, OMIM 614065.

gnomAD v4.1: 8 of 1,613,822 alleles (0.0005%); highest among the groups gnomAD compares: South Asian, 0.0088%; no homozygotes.

Submissions (2):

Labcorp Genetics (formerly Invitae), Labcorp
Classification: Likely benign for Distal myopathy with posterior leg and anterior hand involvement; Myofibrillar myopathy 5; Hypertrophic cardiomyopathy 26. Last evaluated: 2024-09-17. Review status: criteria provided, single submitter. Criteria: Invitae Variant Classification Sherloc (09022015). Collection method: clinical testing. Allele origin: germline.

Ambry Genetics
Classification: Uncertain significance for Cardiovascular phenotype. Last evaluated: 2024-05-02. Review status: criteria provided, single submitter. Criteria: Ambry Variant Classification Scheme 2023. Collection method: clinical testing. Allele origin: germline.
Comment: The p.T1289K variant (also known as c.3866C>A), located in coding exon 22 of the FLNC gene, results from a C to A substitution at nucleotide position 3866. The threonine at codon 1289 is replaced by lysine, an amino acid with similar properties. This amino acid position is conserved. In addition, this alteration is predicted to be tolerated by in silico analysis. Based on the available evidence, the clinical significance of this variant remains unclear.

NM_001458.5(FLNC):c.3866C>A (p.Thr1289Lys)

Gene: FLNC (filamin C; plus strand). Cytogenetic location: 7q32.1.
Variant type: single nucleotide variant.
Coding change: c.3866C>A on transcript NM_001458.5 (MANE Select); coding-DNA position 3866, C replaced by A.
Protein change: p.Thr1289Lys; replaces threonine 1289 with lysine.
Molecular consequence: missense variant.
Genome position (GRCh38, 1-based): chr7:128,846,065, C>A. VCF-style: chr7-128846065-C-A. GRCh37 (hg19) VCF-style: chr7-128486119-C-A.
Other names: c.3866C>A, p.Thr1289Lys (NM_001127487.2); short protein forms T1289K.
Identifiers: ClinVar variation 2047263 (VCV002047263.5), dbSNP rs755896234, ClinGen allele CA4475161.